The following is an entry in ClinVar:

NM_007186.6(CEP250):c.1001C>T (p.Ala334Val)

Genes: CEP250 (centrosomal protein 250; plus strand), CEP250-AS1 (CEP250 antisense RNA 1; minus strand). Cytogenetic location: 20q11.22.
Variant type: single nucleotide variant.
Coding change: c.1001C>T on transcript NM_007186.6 (MANE Select); coding-DNA position 1001, C replaced by T.
Protein change: p.Ala334Val; replaces alanine 334 with valine.
Molecular consequence: missense variant. On other transcripts: 5 prime UTR variant (1).
Genome position (GRCh38, 1-based): chr20:35,472,102, C>T. VCF-style: chr20-35472102-C-T. GRCh37 (hg19) VCF-style: chr20-34059927-C-T.
Other names: c.-899C>T (NM_001318219.1); c.1001C>T (NM_007186.5); short protein forms A334V.
Identifiers: ClinVar variation 1130123 (VCV001130123.36), dbSNP rs116166982, ClinGen allele CA9832789.

ClinVar aggregate classification (germline): Likely benign. Review status: criteria provided, multiple submitters, no conflicts (2 of 4 stars). 5 submissions from 5 submitters: Likely benign (4). 1 of the submissions does not count toward it. Last evaluated 2025-12-26.

Conditions:
CEP250-related disorder. Also called: CEP250-related condition.

Allele frequency attached by ClinVar (database versions not stated): gnomAD exomes 0.00018 and 0.00035; ExAC 0.00045; ESP Exome Variant Server 0.00138; gnomAD 0.00163 and 0.00169; TOPMed 0.00167; 1000 Genomes Project 0.00220; 1000 Genomes Project 30x 0.00250.
gnomAD v4.1: 546 of 1,613,314 alleles (0.034%); highest among the groups gnomAD compares: African/African-American, 0.57%; 1 homozygote.

Submissions (5):

Labcorp Genetics (formerly Invitae), Labcorp
Classification: Likely benign. Last evaluated: 2025-12-26. Review status: criteria provided, single submitter. Criteria: Invitae Variant Classification Sherloc (09022015). Collection method: clinical testing. Allele origin: germline.

Blueprint Genetics
Classification: Likely benign. Last evaluated: 2024-10-17. Review status: criteria provided, single submitter. Criteria: ACMG Guidelines, 2015. Collection method: clinical testing. Allele origin: germline.

CeGaT Center for Human Genetics Tuebingen
Classification: Likely benign. Last evaluated: 2022-08-01. Review status: criteria provided, single submitter. Criteria: CeGaT Center For Human Genetics Tuebingen Variant Classification Criteria Version 2. Collection method: clinical testing. Allele origin: germline. Affected: yes. Observed: 1 variant allele.
Comment: CEP250: BP4, BS2

Breakthrough Genomics
Classification: Likely benign. Review status: criteria provided, single submitter. Criteria: ACMG Guidelines, 2015. Collection method: not provided. Allele origin: germline. Inheritance: Autosomal recessive inheritance. Affected: yes.

PreventionGenetics, part of Exact Sciences
Classification: Likely benign for CEP250-related condition. Last evaluated: 2021-05-26. Review status: no assertion criteria provided. Collection method: clinical testing. Allele origin: germline. Not counted in ClinVar's aggregate classification.
Comment: This variant is classified as likely benign based on ACMG/AMP sequence variant interpretation guidelines (Richards et al. 2015 PMID: 25741868, with internal and published modifications).